The following is an entry in ClinVar:

ClinVar aggregate classification (germline): Uncertain significance (1 of 4 stars; one submission).

Conditions:
Hereditary cancer-predisposing syndrome. Also called: Hereditary Cancer Syndrome; Hereditary neoplastic syndrome; Neoplastic Syndromes, Hereditary; Tumor predisposition. Identifiers: Orphanet 140162, MedGen C0027672, MeSH D009386, MONDO:0015356.

Submission:

Ambry Genetics
Classification: Uncertain significance for Hereditary cancer-predisposing syndrome. Last evaluated: 2025-04-12. Review status: criteria provided, single submitter. Criteria: Ambry Variant Classification Scheme 2023. Collection method: clinical testing. Allele origin: germline.
Comment: The p.L936W variant (also known as c.2807T>G), located in coding exon 8 of the PALB2 gene, results from a T to G substitution at nucleotide position 2807. The leucine at codon 936 is replaced by tryptophan, an amino acid with similar properties. This amino acid position is conserved. In addition, the in silico prediction for this alteration is inconclusive. Based on the available evidence, the clinical significance of this variant remains unclear.

NM_024675.4(PALB2):c.2807T>G (p.Leu936Trp)

Gene: PALB2 (partner and localizer of BRCA2; minus strand). Cytogenetic location: 16p12.2.
Variant type: single nucleotide variant.
Coding change: c.2807T>G on transcript NM_024675.4 (MANE Select); coding-DNA position 2807, T replaced by G.
Protein change: p.Leu936Trp; replaces leucine 936 with tryptophan.
Molecular consequence: missense variant.
Genome position (GRCh38, 1-based): chr16:23,624,036, A>C on the plus strand (T>G on the coding strand, the complement: PALB2 is on the minus strand). VCF-style: chr16-23624036-A-C. GRCh37 (hg19) VCF-style: chr16-23635357-A-C.
Other names: c.2747T>G, p.Leu916Trp (NM_001407296.1); c.2735T>G, p.Leu912Trp (NM_001407297.1); c.2645T>G, p.Leu882Trp (NM_001407298.1, NM_001407302.1); c.2807T>G, p.Leu936Trp (NM_001407299.1, NM_001407300.1, NM_001407301.1); c.1922T>G, p.Leu641Trp (NM_001407304.1, NM_001407305.1, NM_001407306.1 and 4 more transcripts); c.1760T>G, p.Leu587Trp (NM_001407307.1); c.1019T>G, p.Leu340Trp (NM_001407312.1, NM_001407313.1); c.341T>G, p.Leu114Trp (NM_001407314.1); short protein forms L882W, L114W, L340W, L587W, L916W, L936W, L641W, L912W.
Identifiers: ClinVar variation 3927435 (VCV003927435.1).
Genomic context (GRCh38, chr16:23,624,036, plus strand): 5'-GGAAAAACAAATCACTCCTTGGGAATTACATACCTGATCTCTCTGATTTCCAAATTTCCC[A>C]AAGCTACACACACGAGATTATACACATCAGGCACTGGAACTATCTGTAATACTGGAACCT-3'
Protein context (NP_078951.2, residues 926-946): PDVYNLVCVA[Leu936Trp]GNLEIREIRA